The following is an entry in ClinVar:

NM_000038.6(APC):c.4621C>A (p.Gln1541Lys)

Gene: APC (APC regulator of Wnt signaling pathway; plus strand). Cytogenetic location: 5q22.2.
Variant type: single nucleotide variant.
Coding change: c.4621C>A on transcript NM_000038.6 (MANE Select); coding-DNA position 4621, C replaced by A.
Protein change: p.Gln1541Lys; replaces glutamine 1541 with lysine.
Molecular consequence: missense variant.
Genome position (GRCh38, 1-based): chr5:112,840,215, C>A. VCF-style: chr5-112840215-C-A. GRCh37 (hg19) VCF-style: chr5-112175912-C-A.
Other names: c.4621C>A, p.Gln1541Lys (NM_001127510.3, NM_001354895.2); c.4567C>A, p.Gln1523Lys (NM_001127511.3); c.4675C>A, p.Gln1559Lys (NM_001354896.2); c.4651C>A, p.Gln1551Lys (NM_001354897.2); c.4546C>A, p.Gln1516Lys (NM_001354898.2); c.4537C>A, p.Gln1513Lys (NM_001354899.2); c.4498C>A, p.Gln1500Lys (NM_001354900.2); c.4444C>A, p.Gln1482Lys (NM_001354901.2); and 5 more; short protein forms Q1541K, Q1523K, Q1381K, Q1440K, Q1450K, Q1516K, Q1551K, Q1559K.
Identifiers: ClinVar variation 627714 (VCV000627714.5), dbSNP rs786201801, ClinGen allele CA16031454.

ClinVar aggregate classification (germline): Uncertain significance (1 of 4 stars; one submission).

Conditions:
Hereditary cancer-predisposing syndrome. Also called: Tumor predisposition; Hereditary Cancer Syndrome; Neoplastic Syndromes, Hereditary; Hereditary neoplastic syndrome. Identifiers: Orphanet 140162, MedGen C0027672, MeSH D009386, MONDO:0015356.

Submission:

Color Diagnostics, LLC DBA Color Health
Classification: Uncertain significance for Hereditary cancer-predisposing syndrome. Last evaluated: 2023-12-07. Review status: criteria provided, single submitter. Criteria: ACMG Guidelines, 2015. Collection method: clinical testing. Allele origin: germline.
Comment: This missense variant replaces glutamine with lysine at codon 1541 of the APC protein. Computational prediction suggests that this variant may not impact protein structure and function (internally defined REVEL score threshold <= 0.5, PMID: 27666373). To our knowledge, functional studies have not been reported for this variant. This variant has not been reported in individuals affected with APC-related disorders in the literature. This variant has not been identified in the general population by the Genome Aggregation Database (gnomAD). The available evidence is insufficient to determine the role of this variant in disease conclusively. Therefore, this variant is classified as a Variant of Uncertain Significance.